The following is an entry in ClinVar:

ClinVar aggregate classification (germline): Uncertain significance (1 of 4 stars; one submission).

Conditions:
Neurofibromatosis, type 1 (NF1). Also called: VON RECKLINGHAUSEN DISEASE; Neurofibromatosis, type I; NEUROFIBROMATOSIS, TYPE I, SOMATIC; Peripheral type neurofibromatosis. Identifiers: Orphanet 636, MedGen C0027831, MONDO:0018975, OMIM 162200. Disease mechanism: loss of function.

Allele frequency attached by ClinVar (database versions not stated): TOPMed below 0.00001.

Submission:

Labcorp Genetics (formerly Invitae), Labcorp
Classification: Uncertain significance for Neurofibromatosis, type 1. Last evaluated: 2020-01-13. Review status: criteria provided, single submitter. Criteria: Invitae Variant Classification Sherloc (09022015). Collection method: clinical testing. Allele origin: germline.
Comment: In summary, the available evidence is currently insufficient to determine the role of this variant in disease. Therefore, it has been classified as a Variant of Uncertain Significance. Algorithms developed to predict the effect of missense changes on protein structure and function are either unavailable or do not agree on the potential impact of this missense change (SIFT: "Tolerated"; PolyPhen-2: "Possibly Damaging"; Align-GVGD: "Class C0"). This variant has not been reported in the literature in individuals with NF1-related conditions. This variant is not present in population databases (ExAC no frequency). This sequence change replaces serine with alanine at codon 2381 of the NF1 protein (p.Ser2381Ala). The serine residue is moderately conserved and there is a moderate physicochemical difference between serine and alanine.

NM_001042492.3(NF1):c.7204T>G (p.Ser2402Ala)

Gene: NF1 (neurofibromin 1; plus strand). Cytogenetic location: 17q11.2.
Variant type: single nucleotide variant.
Coding change: c.7204T>G on transcript NM_001042492.3 (MANE Select); coding-DNA position 7204, T replaced by G.
Protein change: p.Ser2402Ala; replaces serine 2402 with alanine.
Molecular consequence: missense variant.
Genome position (GRCh38, 1-based): chr17:31,349,134, T>G. VCF-style: chr17-31349134-T-G. GRCh37 (hg19) VCF-style: chr17-29676152-T-G.
Other names: c.7141T>G, p.Ser2381Ala (NM_000267.4); short protein forms S2381A, S2402A.
Identifiers: ClinVar variation 1010168 (VCV001010168.5), dbSNP rs1287571228, ClinGen allele CA399016683.